The following is an entry in ClinVar:

ClinVar aggregate classification (germline): Conflicting classifications of pathogenicity. Review status: criteria provided, conflicting classifications (1 of 4 stars). 6 submissions from 6 submitters: Uncertain significance (2); Likely benign (4). Last evaluated 2025-11-11.

Conditions:
ABHD12-related disorder. Also called: ABHD12-related condition.
PHARC syndrome. Also called: Polyneuropathy-hearing loss-ataxia-retinitis pigmentosa-cataract syndrome. Identifiers: Orphanet 171848, MedGen C2675204, MONDO:0012984, OMIM 612674.

Allele frequency attached by ClinVar (database versions not stated): gnomAD 0.00006 and 0.00010; TOPMed 0.00017; ExAC 0.00021; gnomAD exomes 0.00024; 1000 Genomes Project 30x 0.00047; 1000 Genomes Project 0.00060.
gnomAD v4.1: 123 of 1,606,140 alleles (0.0077%); highest among the groups gnomAD compares: East Asian, 0.26%; no homozygotes.

Submissions (6):

Women's Health and Genetics/Laboratory Corporation of America, LabCorp
Classification: Likely benign. Last evaluated: 2025-11-11. Review status: criteria provided, single submitter. Criteria: LabCorp Variant Classification Summary - May 2015. Collection method: clinical testing. Allele origin: germline.
Comment: Variant summary: ABHD12 c.802G>T (p.Ala268Ser) results in a conservative amino acid change in the encoded protein sequence. Algorithms developed to predict the effect of missense changes on protein structure and function are either unavailable or do not agree on the potential impact of this missense change. The variant allele was found at a frequency of 0.00024 in 251404 control chromosomes, predominantly at a frequency of 0.0033 within the East Asian subpopulation in the gnomAD database. The observed variant frequency within East Asian control individuals in the gnomAD database exceeds the estimated maximal expected allele frequency for disease-causing variants in ABHD12. To our knowledge, no occurrence of c.802G>T in individuals affected with ABHD12-related conditions and no experimental evidence demonstrating its impact on protein function have been reported. ClinVar contains an entry for this variant (Variation ID: 337992). Based on the evidence outlined above, the variant was classified as likely benign.

Labcorp Genetics (formerly Invitae), Labcorp
Classification: Likely benign. Last evaluated: 2025-09-23. Review status: criteria provided, single submitter. Criteria: Invitae Variant Classification Sherloc (09022015). Collection method: clinical testing. Allele origin: germline.

PreventionGenetics, part of Exact Sciences
Classification: Likely benign for ABHD12-related condition. Last evaluated: 2025-03-07. Review status: criteria provided, single submitter. Criteria: ACMG Guidelines, 2015. Collection method: clinical testing. Allele origin: germline.
Comment: This variant is classified as likely benign based on ACMG/AMP sequence variant interpretation guidelines (Richards et al. 2015 PMID: 25741868, with internal and published modifications).

Blueprint Genetics
Classification: Uncertain significance. Last evaluated: 2024-10-10. Review status: criteria provided, single submitter. Criteria: ACMG Guidelines, 2015. Collection method: clinical testing. Allele origin: germline.

GeneDx
Classification: Likely benign. Last evaluated: 2021-06-09. Review status: criteria provided, single submitter. Criteria: GeneDx Variant Classification Process June 2021. Collection method: clinical testing. Allele origin: germline. Affected: yes.

Illumina Laboratory Services, Illumina
Classification: Uncertain significance for PHARC syndrome. Last evaluated: 2018-01-13. Review status: criteria provided, single submitter. Criteria: ICSL Variant Classification Criteria 13 December 2019. Collection method: clinical testing. Allele origin: germline.

NM_001042472.3(ABHD12):c.802G>T (p.Ala268Ser)

Gene: ABHD12 (abhydrolase domain containing 12, lysophospholipase; minus strand). Cytogenetic location: 20p11.21.
Variant type: single nucleotide variant.
Coding change: c.802G>T on transcript NM_001042472.3 (MANE Select); coding-DNA position 802, G replaced by T.
Protein change: p.Ala268Ser; replaces alanine 268 with serine.
Molecular consequence: missense variant.
Genome position (GRCh38, 1-based): chr20:25,308,031, C>A on the plus strand (G>T on the coding strand, the complement: ABHD12 is on the minus strand). VCF-style: chr20-25308031-C-A. GRCh37 (hg19) VCF-style: chr20-25288667-C-A.
Other names: c.802G>T, p.Ala268Ser (NM_015600.5); short protein forms A268S.
Identifiers: ClinVar variation 337992 (VCV000337992.18), dbSNP rs186440319, ClinGen allele CA9795975.